The following is an entry in ClinVar:

ClinVar aggregate classification (germline): Uncertain significance (1 of 4 stars; one submission).

gnomAD v4.1: 1 of 1,181,747 alleles (0.000085%); highest among the groups gnomAD compares: Non-Finnish European, 0.00011%; no homozygotes.

Submission:

Dasa
Classification: Uncertain significance. Last evaluated: 2025-08-04. Review status: criteria provided, single submitter. Criteria: DASA Assertion Criteria. Collection method: clinical testing. Allele origin: germline.
Comment: NM_005120.3(MED12):c.100-7G>T is a splice-region variant. This variant is rare in population databases. Computational prediction algorithms are consistent with a benign effect. The currently available literature and clinical evidence are not sufficient to establish a definitive association between this variant and the reported condition. Therefore, this variant is classified as a variant of uncertain significance.

NM_005120.3(MED12):c.100-7G>T

Gene: MED12 (mediator complex subunit 12; plus strand). Cytogenetic location: Xq13.1.
Variant type: single nucleotide variant.
Coding change: c.100-7G>T on transcript NM_005120.3 (MANE Select); 7 bases into the intron before coding-DNA position 100, G replaced by T.
Molecular consequence: intron variant.
Genome position (GRCh38, 1-based): chrX:71,119,366, G>T. VCF-style: chrX-71119366-G-T. GRCh37 (hg19) VCF-style: chrX-70339216-G-T.
Identifiers: ClinVar variation 4882246 (VCV004882246.2).